The following is an entry in ClinVar:

NM_001369.3(DNAH5):c.7202C>T (p.Ser2401Phe)

Gene: DNAH5 (dynein axonemal heavy chain 5; minus strand). Cytogenetic location: 5p15.2.
Variant type: single nucleotide variant.
Coding change: c.7202C>T on transcript NM_001369.3 (MANE Select); coding-DNA position 7202, C replaced by T.
Protein change: p.Ser2401Phe; replaces serine 2401 with phenylalanine.
Molecular consequence: missense variant.
Genome position (GRCh38, 1-based): chr5:13,814,633, G>A on the plus strand (C>T on the coding strand, the complement: DNAH5 is on the minus strand). VCF-style: chr5-13814633-G-A. GRCh37 (hg19) VCF-style: chr5-13814742-G-A.
Other names: short protein forms S2401F.
Identifiers: ClinVar variation 1757676 (VCV001757676.2), dbSNP rs2546824852, ClinGen allele CA359190256.

ClinVar aggregate classification (germline): Uncertain significance (1 of 4 stars; one submission).

Conditions:
Primary ciliary dyskinesia. Also called: Ciliary dyskinesia. Identifiers: Orphanet 244, MedGen C0008780, MONDO:0016575, HP:0012265.

Submission:

Ambry Genetics
Classification: Uncertain significance for Primary ciliary dyskinesia. Last evaluated: 2021-08-10. Review status: criteria provided, single submitter. Criteria: Ambry Variant Classification Scheme 2023. Collection method: clinical testing. Allele origin: germline.
Comment: The p.S2401F variant (also known as c.7202C>T), located in coding exon 43 of the DNAH5 gene, results from a C to T substitution at nucleotide position 7202. The serine at codon 2401 is replaced by phenylalanine, an amino acid with highly dissimilar properties. This amino acid position is conserved. In addition, the in silico prediction for this alteration is inconclusive. Since supporting evidence is limited at this time, the clinical significance of this alteration remains unclear.